The following is an entry in ClinVar:

ClinVar aggregate classification (germline): Uncertain significance (1 of 4 stars; one submission).

gnomAD v4.1: 1 of 1,613,964 alleles (0.000062%); highest among the groups gnomAD compares: African/African-American, 0.0013%; no homozygotes.

Submission:

GeneDx
Classification: Uncertain significance. Last evaluated: 2024-01-17. Review status: criteria provided, single submitter. Criteria: GeneDx Variant Classification Process June 2021. Collection method: clinical testing. Allele origin: germline. Affected: yes.
Comment: Not observed at significant frequency in large population cohorts (gnomAD); In silico analysis supports that this missense variant has a deleterious effect on protein structure/function; Has not been previously published as pathogenic or benign to our knowledge

NM_001457.4(FLNB):c.6004G>T (p.Ala2002Ser)

Gene: FLNB (filamin B; plus strand). Cytogenetic location: 3p14.3.
Variant type: single nucleotide variant.
Coding change: c.6004G>T on transcript NM_001457.4 (MANE Select); coding-DNA position 6004, G replaced by T.
Protein change: p.Ala2002Ser; replaces alanine 2002 with serine.
Molecular consequence: missense variant.
Genome position (GRCh38, 1-based): chr3:58,148,765, G>T. VCF-style: chr3-58148765-G-T. GRCh37 (hg19) VCF-style: chr3-58134492-G-T.
Other names: c.6097G>T, p.Ala2033Ser (NM_001164317.2); c.5971G>T, p.Ala1991Ser (NM_001164318.2); c.5932G>T, p.Ala1978Ser (NM_001164319.2); short protein forms A1978S, A1991S, A2002S, A2033S.
Identifiers: ClinVar variation 3367999 (VCV003367999.1).